The following is an entry in ClinVar:

NM_024753.5(TTC21B):c.766T>C (p.Tyr256His)

Gene: TTC21B (tetratricopeptide repeat domain 21B; minus strand). Cytogenetic location: 2q24.3.
Variant type: single nucleotide variant.
Coding change: c.766T>C on transcript NM_024753.5 (MANE Select); coding-DNA position 766, T replaced by C.
Protein change: p.Tyr256His; replaces tyrosine 256 with histidine.
Molecular consequence: missense variant.
Genome position (GRCh38, 1-based): chr2:165,933,002, A>G on the plus strand (T>C on the coding strand, the complement: TTC21B is on the minus strand). VCF-style: chr2-165933002-A-G. GRCh37 (hg19) VCF-style: chr2-166789512-A-G.
Other names: short protein forms Y256H.
Identifiers: ClinVar variation 4997586 (VCV004997586.1).

ClinVar aggregate classification (germline): Uncertain significance (1 of 4 stars; one submission).

Conditions:
TTC21B-related disorder. Also called: TTC21B-related disorders; TTC21B-related condition.

Submission:

PreventionGenetics, part of Exact Sciences
Classification: Uncertain significance for TTC21B-related condition. Last evaluated: 2025-01-29. Review status: criteria provided, single submitter. Criteria: ACMG Guidelines, 2015. Collection method: clinical testing. Allele origin: germline.
Comment: The TTC21B c.766T>C variant is predicted to result in the amino acid substitution p.Tyr256His. To our knowledge, this variant has not been reported in the literature or in a large population database (gnomAD), indicating this variant is rare. At this time, the clinical significance of this variant is uncertain due to the absence of conclusive functional and genetic evidence.